The following is an entry in ClinVar:

NM_001042492.3(NF1):c.173T>C (p.Leu58Pro)

Gene: NF1 (neurofibromin 1; plus strand). Cytogenetic location: 17q11.2.
Variant type: single nucleotide variant.
Coding change: c.173T>C on transcript NM_001042492.3 (MANE Select); coding-DNA position 173, T replaced by C.
Protein change: p.Leu58Pro; replaces leucine 58 with proline.
Molecular consequence: missense variant.
Genome position (GRCh38, 1-based): chr17:31,156,095, T>C. VCF-style: chr17-31156095-T-C. GRCh37 (hg19) VCF-style: chr17-29483113-T-C.
Other names: c.173T>C, p.Leu58Pro (NM_000267.4, NM_001128147.3); short protein forms L58P.
Identifiers: ClinVar variation 649283 (VCV000649283.8), dbSNP rs1597626094, ClinGen allele CA398988642.

ClinVar aggregate classification (germline): Likely pathogenic. Review status: criteria provided, multiple submitters, no conflicts (2 of 4 stars). 2 submissions from 2 submitters: Likely pathogenic (2). Last evaluated 2024-07-01.

Conditions:
Neurofibromatosis, type 1 (NF1). Also called: VON RECKLINGHAUSEN DISEASE; Neurofibromatosis, type I; NEUROFIBROMATOSIS, TYPE I, SOMATIC; Peripheral type neurofibromatosis. Identifiers: Orphanet 636, MedGen C0027831, MONDO:0018975, OMIM 162200. Disease mechanism: loss of function.

Submissions (2):

NHS Central & South Genomic Laboratory Hub
Classification: Likely pathogenic for Neurofibromatosis type 1. Last evaluated: 2024-07-01. Review status: criteria provided, single submitter. Criteria: ACMG Guidelines, 2015. Collection method: clinical testing. Allele origin: germline. Affected: yes.

Labcorp Genetics (formerly Invitae), Labcorp
Classification: Likely pathogenic for Neurofibromatosis, type 1. Last evaluated: 2024-04-22. Review status: criteria provided, single submitter. Criteria: Invitae Variant Classification Sherloc (09022015). Collection method: clinical testing. Allele origin: germline.
Comment: This sequence change replaces leucine, which is neutral and non-polar, with proline, which is neutral and non-polar, at codon 58 of the NF1 protein (p.Leu58Pro). This variant is not present in population databases (gnomAD no frequency). This missense change has been observed in individual(s) with clinical features of neurofibromatosis type 1 (Invitae). ClinVar contains an entry for this variant (Variation ID: 649283). Advanced modeling of protein sequence and biophysical properties (such as structural, functional, and spatial information, amino acid conservation, physicochemical variation, residue mobility, and thermodynamic stability) performed at Invitae indicates that this missense variant is expected to disrupt NF1 protein function with a positive predictive value of 95%. This variant disrupts the p.Leu58 amino acid residue in NF1. Other variant(s) that disrupt this residue have been determined to be pathogenic (Invitae). This suggests that this residue is clinically significant, and that variants that disrupt this residue are likely to be disease-causing. In summary, the currently available evidence indicates that the variant is pathogenic, but additional data are needed to prove that conclusively. Therefore, this variant has been classified as Likely Pathogenic.